The following is an entry in ClinVar:

NM_001386140.1(MTTP):c.215del (p.Pro72fs)

Gene: MTTP (microsomal triglyceride transfer protein; plus strand). Cytogenetic location: 4q23.
Variant type: Deletion.
Coding change: c.215del on transcript NM_001386140.1 (MANE Select); coding-DNA position 215, one base deleted (C; older notation c.215delC).
Protein change: p.Pro72fs; shifts the reading frame from proline 72.
Molecular consequence: frameshift variant. On other transcripts: 5 prime UTR variant (1).
Genome position (GRCh38, 1-based): chr4:99,582,058, C deleted; the last of 2 consecutive C bases (chr4:99,582,057-99,582,058); deleting either gives the same sequence. VCF-style (leftmost placement, unchanged base first): chr4-99582056-TC-T. GRCh37 (hg19) VCF-style: chr4-100503213-TC-T.
Other names: c.215delC (NM_000253.3); c.215del, p.Pro72fs (NM_000253.4); c.-35del (NM_001300785.2); short protein forms P72fs.
Identifiers: ClinVar variation 14234 (VCV000014234.7), dbSNP rs1560614154, ClinGen allele CA440328562.

ClinVar aggregate classification (germline): Pathogenic. Review status: criteria provided, multiple submitters, no conflicts (2 of 4 stars). 3 submissions from 3 submitters: Pathogenic (2). 1 of the submissions does not count toward it. Last evaluated 2025-11-19.

Conditions:
Abetalipoproteinaemia (ABL). Also called: Abetalipoproteinemia; Abetalipoproteinemia neuropathy; Apolipoprotein B deficiency; Congenital betalipoprotein deficiency syndrome; MTP DEFICIENCY. Identifiers: Orphanet 14, MedGen C0000744, MONDO:0008692, OMIM 200100, HP:0008181.

Submissions (3):

Labcorp Genetics (formerly Invitae), Labcorp
Classification: Pathogenic. Last evaluated: 2025-11-19. Review status: criteria provided, single submitter. Criteria: Invitae Variant Classification Sherloc (09022015). Collection method: clinical testing. Allele origin: germline.
Comment: This sequence change creates a premature translational stop signal (p.Pro72Leufs*8) in the MTTP gene. It is expected to result in an absent or disrupted protein product. Loss-of-function variants in MTTP are known to be pathogenic (PMID: 8533758, 9671739). This variant is not present in population databases (gnomAD no frequency). This premature translational stop signal has been observed in individual(s) with abetalipoproteinemia (PMID: 8361539). ClinVar contains an entry for this variant (Variation ID: 14234). For these reasons, this variant has been classified as Pathogenic.

Myriad Genetics, Inc.
Classification: Pathogenic for Abetalipoproteinaemia. Last evaluated: 2024-05-14. Review status: criteria provided, single submitter. Criteria: Myriad Autosomal Dominant, Autosomal Recessive and X-Linked Classification Criteria (2023). Collection method: clinical testing. Allele origin: unknown.
Comment: NM_000253.2(MTTP):c.215delC(P72Lfs*8) is expected to be pathogenic in the context of abetalipoproteinemia. This variant is predicted to lead to an abnormal or absent protein product due to the creation of a premature termination codon in MTTP, a gene where loss-of-function variants are known to be pathogenic. Please note: this variant was assessed in the context of healthy population screening.

OMIM
Classification: Pathogenic for ABETALIPOPROTEINEMIA. Last evaluated: 1993-09-02. Review status: no assertion criteria provided. Collection method: literature only. Allele origin: germline. Not counted in ClinVar's aggregate classification.

Literature cited by the submitters: PubMed 8533758 (cited by Labcorp Genetics (formerly Invitae), Labcorp); PubMed 9671739 (cited by Labcorp Genetics (formerly Invitae), Labcorp); PubMed 8361539 (cited by Labcorp Genetics (formerly Invitae), Labcorp and OMIM).